The following is an entry in ClinVar:

ClinVar aggregate classification (germline): Uncertain significance. Review status: criteria provided, multiple submitters, no conflicts (2 of 4 stars). 2 submissions from 2 submitters: Uncertain significance (2). Last evaluated 2025-05-22.

Conditions:
Developmental and epileptic encephalopathy, 32 (DEE32). Also called: Epileptic encephalopathy, early infantile, 32. Identifiers: Orphanet 442835, MedGen C4225350, MONDO:0014607, OMIM 616366.

Submissions (2):

Labcorp Genetics (formerly Invitae), Labcorp
Classification: Uncertain significance for Developmental and epileptic encephalopathy, 32. Last evaluated: 2025-05-22. Review status: criteria provided, single submitter. Criteria: Invitae Variant Classification Sherloc (09022015). Collection method: clinical testing. Allele origin: germline.
Comment: This sequence change replaces alanine, which is neutral and non-polar, with valine, which is neutral and non-polar, at codon 395 of the KCNA2 protein (p.Ala395Val). This variant is not present in population databases (gnomAD no frequency). This variant has not been reported in the literature in individuals affected with KCNA2-related conditions. ClinVar contains an entry for this variant (Variation ID: 806185). Invitae Evidence Modeling of protein sequence and biophysical properties (such as structural, functional, and spatial information, amino acid conservation, physicochemical variation, residue mobility, and thermodynamic stability) has been performed for this missense variant. However, the output from this modeling did not meet the statistical confidence thresholds required to predict the impact of this variant on KCNA2 protein function. In summary, the available evidence is currently insufficient to determine the role of this variant in disease. Therefore, it has been classified as a Variant of Uncertain Significance.

CeGaT Center for Human Genetics Tuebingen
Classification: Uncertain significance. Last evaluated: 2017-02-01. Review status: criteria provided, single submitter. Criteria: CeGaT Center For Human Genetics Tuebingen Variant Classification Criteria Version 2. Collection method: clinical testing. Allele origin: germline. Affected: yes. Observed: 1 variant allele.

NM_004974.4(KCNA2):c.1184C>T (p.Ala395Val)

Gene: KCNA2 (potassium voltage-gated channel subfamily A member 2; minus strand). Cytogenetic location: 1p13.3.
Variant type: single nucleotide variant.
Coding change: c.1184C>T on transcript NM_004974.4 (MANE Select); coding-DNA position 1184, C replaced by T.
Protein change: p.Ala395Val; replaces alanine 395 with valine.
Molecular consequence: missense variant. On other transcripts: intron variant (1).
Genome position (GRCh38, 1-based): chr1:110,603,599, G>A on the plus strand (C>T on the coding strand, the complement: KCNA2 is on the minus strand). VCF-style: chr1-110603599-G-A. GRCh37 (hg19) VCF-style: chr1-111146221-G-A.
Other names: c.894+290C>T (NM_001204269.2); short protein forms A395V.
Identifiers: ClinVar variation 806185 (VCV000806185.43), dbSNP rs1570752776, ClinGen allele CA341601440.